The following is an entry in ClinVar:

NM_020987.5(ANK3):c.6555G>T (p.Gln2185His)

Gene: ANK3 (ankyrin 3; minus strand). Cytogenetic location: 10q21.2.
Variant type: single nucleotide variant.
Coding change: c.6555G>T on transcript NM_020987.5 (MANE Select); coding-DNA position 6555, G replaced by T.
Protein change: p.Gln2185His; replaces glutamine 2185 with histidine.
Molecular consequence: missense variant. On other transcripts: intron variant (4).
Genome position (GRCh38, 1-based): chr10:60,074,326, C>A on the plus strand (G>T on the coding strand, the complement: ANK3 is on the minus strand). VCF-style: chr10-60074326-C-A. GRCh37 (hg19) VCF-style: chr10-61834084-C-A.
Other names: c.4387+6211G>T (NM_001204403.2); c.4408+6211G>T (NM_001204404.2); c.4405+6211G>T (NM_001320874.2); c.1807+6211G>T (NM_001149.4); short protein forms Q2185H.
Identifiers: ClinVar variation 210168 (VCV000210168.37), dbSNP rs144465058, ClinGen allele CA205947.

ClinVar aggregate classification (germline): Conflicting classifications of pathogenicity. Review status: criteria provided, conflicting classifications (1 of 4 stars). 7 submissions from 7 submitters: Uncertain significance (5); Likely benign (1). 1 of the submissions does not count toward it. Last evaluated 2026-01-24.

Conditions:
Intellectual developmental disorder, autosomal recessive 37. Also called: Intellectual disability-hypotonia-spasticity-sleep disorder syndrome. Identifiers: Orphanet 356996, MedGen C3809672, MONDO:0014210, OMIM 615493.
Intellectual disability. Also called: Intellectual functioning disability; intellectual disabilities; Intellectual developmental disorder. Identifiers: MedGen C3714756, MeSH D008607, MONDO:0001071, HP:0001249.

Allele frequency attached by ClinVar (database versions not stated): 1000 Genomes Project 0.00020; gnomAD exomes 0.00033 and 0.00046; ExAC 0.00035; gnomAD 0.00036; TOPMed 0.00039; ESP Exome Variant Server 0.00046; 1000 Genomes Project 30x 0.00047.
gnomAD v4.1: 716 of 1,613,994 alleles (0.044%); highest among the groups gnomAD compares: Non-Finnish European, 0.055%; 1 homozygote.

Submissions (7):

Labcorp Genetics (formerly Invitae), Labcorp
Classification: Uncertain significance. Last evaluated: 2026-01-24. Review status: criteria provided, single submitter. Criteria: Invitae Variant Classification Sherloc (09022015). Collection method: clinical testing. Allele origin: germline.
Comment: This sequence change replaces glutamine, which is neutral and polar, with histidine, which is basic and polar, at codon 2185 of the ANK3 protein (p.Gln2185His). This variant is present in population databases (rs144465058, gnomAD 0.06%). This missense change has been observed in individual(s) with clinical features of ANK2-related conditions (PMID: 38988293). ClinVar contains an entry for this variant (Variation ID: 210168). Invitae Evidence Modeling of protein sequence and biophysical properties (such as structural, functional, and spatial information, amino acid conservation, physicochemical variation, residue mobility, and thermodynamic stability) indicates that this missense variant is not expected to disrupt ANK3 protein function with a negative predictive value of 80%. In summary, the available evidence is currently insufficient to determine the role of this variant in disease. Therefore, it has been classified as a Variant of Uncertain Significance.

GeneDx
Classification: Uncertain significance. Last evaluated: 2025-11-03. Review status: criteria provided, single submitter. Criteria: GeneDx Variant Classification Process June 2021. Collection method: clinical testing. Allele origin: germline.
Comment: Identified with a second ANK3 variant in a patient with short stature, developmental delay, intellectual disability, and hypotonia in published literature; however, segregation information was unknown (PMID: 38988293); In silico analysis suggests that this missense variant does not alter protein structure/function; This variant is associated with the following publications: (PMID: 38988293)

CeGaT Center for Human Genetics Tuebingen
Classification: Likely benign. Last evaluated: 2024-08-01. Review status: criteria provided, single submitter. Criteria: CeGaT Center For Human Genetics Tuebingen Variant Classification Criteria Version 2. Collection method: clinical testing. Allele origin: germline. Affected: yes. Observed: 3 variant alleles.
Comment: ANK3: BP4

Fulgent Genetics
Classification: Uncertain significance for Intellectual developmental disorder, autosomal recessive 37. Last evaluated: 2021-12-03. Review status: criteria provided, single submitter. Criteria: ACMG Guidelines, 2015. Collection method: clinical testing. Allele origin: unknown.

New York Genome Center
Classification: Uncertain significance for Intellectual developmental disorder, autosomal recessive 37. Last evaluated: 2020-04-25. Review status: criteria provided, single submitter. Criteria: NYGC Assertion Criteria 2020. Collection method: clinical testing. Allele origin: germline. Observed: 1 heterozygote. Study: CSER-NYCKidSeq.

Genetic Services Laboratory, University of Chicago
Classification: Uncertain significance. Last evaluated: 2015-02-16. Review status: criteria provided, single submitter. Criteria: ACMG Guidelines, 2015. Collection method: clinical testing. Allele origin: germline.

Centre de Biologie Pathologie Génétique, Centre Hospitalier Universitaire de Lille
Classification: Uncertain significance for Intellectual disability. Last evaluated: 2019-01-01. Review status: no assertion criteria provided. Collection method: clinical testing. Allele origin: unknown. Affected: yes. Not counted in ClinVar's aggregate classification.

Literature cited by the submitters: PubMed 38988293 (cited by Labcorp Genetics (formerly Invitae), Labcorp).